The following is an entry in ClinVar:

NM_000388.4(CASR):c.28C>A (p.Leu10Ile)

Gene: CASR (calcium sensing receptor; plus strand). Cytogenetic location: 3q21.1.
Variant type: single nucleotide variant.
Coding change: c.28C>A on transcript NM_000388.4 (MANE Select); coding-DNA position 28, C replaced by A.
Protein change: p.Leu10Ile; replaces leucine 10 with isoleucine.
Molecular consequence: missense variant.
Genome position (GRCh38, 1-based): chr3:122,254,217, C>A. VCF-style: chr3-122254217-C-A. GRCh37 (hg19) VCF-style: chr3-121973064-C-A.
Other names: c.28C>A, p.Leu10Ile (NM_001178065.2); short protein forms L10I.
Identifiers: ClinVar variation 577870 (VCV000577870.14), dbSNP rs1327682547, ClinGen allele CA354361979.

ClinVar aggregate classification (germline): Uncertain significance. Review status: criteria provided, multiple submitters, no conflicts (2 of 4 stars). 2 submissions from 2 submitters: Uncertain significance (2). Last evaluated 2022-12-03.

Conditions:
Familial hypocalciuric hypercalcemia (FHH). Also called: Familial benign hypercalcemia. Identifiers: Orphanet 405, MedGen C1809471, MONDO:0018458.
Autosomal dominant hypocalcemia 1 (HYPOC1). Also called: HYPOCALCEMIA, FAMILIAL. Identifiers: MedGen C3715128, MONDO:0011013, OMIM 601198.
Nephrolithiasis/nephrocalcinosis. Identifiers: MedGen CN580796.

Allele frequency attached by ClinVar (database versions not stated): TOPMed 0.00001.

Submissions (2):

Labcorp Genetics (formerly Invitae), Labcorp
Classification: Uncertain significance for Familial hypocalciuric hypercalcemia; Autosomal dominant hypocalcemia 1. Last evaluated: 2022-12-03. Review status: criteria provided, single submitter. Criteria: Invitae Variant Classification Sherloc (09022015). Collection method: clinical testing. Allele origin: germline.
Comment: Algorithms developed to predict the effect of missense changes on protein structure and function are either unavailable or do not agree on the potential impact of this missense change (SIFT: "Deleterious"; PolyPhen-2: "Benign"; Align-GVGD: "Class C0"). ClinVar contains an entry for this variant (Variation ID: 577870). This variant has not been reported in the literature in individuals affected with CASR-related conditions. This variant is present in population databases (no rsID available, gnomAD 0.0009%). This sequence change replaces leucine, which is neutral and non-polar, with isoleucine, which is neutral and non-polar, at codon 10 of the CASR protein (p.Leu10Ile). In summary, the available evidence is currently insufficient to determine the role of this variant in disease. Therefore, it has been classified as a Variant of Uncertain Significance.

Ambry Genetics
Classification: Uncertain significance for Nephrolithiasis/nephrocalcinosis. Last evaluated: 2021-12-04. Review status: criteria provided, single submitter. Criteria: Ambry Variant Classification Scheme 2023. Collection method: clinical testing. Allele origin: germline.
Comment: The p.L10I variant (also known as c.28C>A), located in coding exon 1 of the CASR gene, results from a C to A substitution at nucleotide position 28. The leucine at codon 10 is replaced by isoleucine, an amino acid with highly similar properties. This amino acid position is conserved. In addition, this alteration is predicted to be tolerated by in silico analysis. Since supporting evidence is limited at this time, the clinical significance of this alteration remains unclear.